The following is an entry in ClinVar:

NM_021922.3(FANCE):c.5C>T (p.Ala2Val)

Genes: FANCE (FA complementation group E; plus strand), LOC129996245 (ATAC-STARR-seq lymphoblastoid silent region 17092; plus strand). Cytogenetic location: 6p21.31.
Variant type: single nucleotide variant.
Coding change: c.5C>T on transcript NM_021922.3 (MANE Select); coding-DNA position 5, C replaced by T.
Protein change: p.Ala2Val; replaces alanine 2 with valine.
Molecular consequence: missense variant.
Genome position (GRCh38, 1-based): chr6:35,452,550, C>T. VCF-style: chr6-35452550-C-T. GRCh37 (hg19) VCF-style: chr6-35420327-C-T.
Other names: c.5C>T, p.Ala2Val (NM_001410876.1); short protein forms A2V.
Identifiers: ClinVar variation 2038882 (VCV002038882.1), dbSNP rs1267226186, ClinGen allele CA363769629.

ClinVar aggregate classification (germline): Uncertain significance (1 of 4 stars; one submission).

Conditions:
Fanconi anemia complementation group E (FANCE). Also called: FANCE-Related Fanconi Anemia. Identifiers: Orphanet 84, MedGen C3160739, MONDO:0010953, OMIM 600901.

Allele frequency attached by ClinVar (database versions not stated): gnomAD exomes below 0.00001; TOPMed below 0.00001; gnomAD 0.00001.
gnomAD v4.1: 2 of 1,324,766 alleles (0.00015%); highest among the groups gnomAD compares: Non-Finnish European, 0.00019%; no homozygotes.

Submission:

Labcorp Genetics (formerly Invitae), Labcorp
Classification: Uncertain significance for Fanconi anemia complementation group E. Last evaluated: 2022-07-30. Review status: criteria provided, single submitter. Criteria: Invitae Variant Classification Sherloc (09022015). Collection method: clinical testing. Allele origin: germline.
Comment: This sequence change replaces alanine, which is neutral and non-polar, with valine, which is neutral and non-polar, at codon 2 of the FANCE protein (p.Ala2Val). This variant is not present in population databases (gnomAD no frequency). This variant has not been reported in the literature in individuals affected with FANCE-related conditions. Algorithms developed to predict the effect of missense changes on protein structure and function are either unavailable or do not agree on the potential impact of this missense change (SIFT: "Tolerated"; PolyPhen-2: "Probably Damaging"; Align-GVGD: "Class C0"). In summary, the available evidence is currently insufficient to determine the role of this variant in disease. Therefore, it has been classified as a Variant of Uncertain Significance.